The following is an entry in ClinVar:

NM_022835.3(PLEKHG2):c.607C>G (p.Leu203Val)

Gene: PLEKHG2 (pleckstrin homology and RhoGEF domain containing G2; plus strand). Cytogenetic location: 19q13.2.
Variant type: single nucleotide variant.
Coding change: c.607C>G on transcript NM_022835.3 (MANE Select); coding-DNA position 607, C replaced by G.
Protein change: p.Leu203Val; replaces leucine 203 with valine.
Molecular consequence: missense variant.
Genome position (GRCh38, 1-based): chr19:39,416,863, C>G. VCF-style: chr19-39416863-C-G. GRCh37 (hg19) VCF-style: chr19-39907503-C-G.
Other names: c.430C>G, p.Leu144Val (NM_001351693.2); c.607C>G, p.Leu203Val (NM_001351694.2); short protein forms L203V, L144V.
Identifiers: ClinVar variation 2103844 (VCV002103844.4), dbSNP rs1452360797, ClinGen allele CA405789525.

ClinVar aggregate classification (germline): Uncertain significance (1 of 4 stars; one submission).

gnomAD v4.1: 2 of 1,607,678 alleles (0.00012%); highest among the groups gnomAD compares: Non-Finnish European, 0.00017%; no homozygotes.

Submission:

Labcorp Genetics (formerly Invitae), Labcorp
Classification: Uncertain significance. Last evaluated: 2022-07-14. Review status: criteria provided, single submitter. Criteria: Invitae Variant Classification Sherloc (09022015). Collection method: clinical testing. Allele origin: germline.
Comment: In summary, the available evidence is currently insufficient to determine the role of this variant in disease. Therefore, it has been classified as a Variant of Uncertain Significance. Algorithms developed to predict the effect of missense changes on protein structure and function (SIFT, PolyPhen-2, Align-GVGD) all suggest that this variant is likely to be disruptive. This variant has not been reported in the literature in individuals affected with PLEKHG2-related conditions. This variant is not present in population databases (gnomAD no frequency). This sequence change replaces leucine, which is neutral and non-polar, with valine, which is neutral and non-polar, at codon 203 of the PLEKHG2 protein (p.Leu203Val).